The following is an entry in ClinVar:

NM_032119.4(ADGRV1):c.493G>A (p.Glu165Lys)

Gene: ADGRV1 (adhesion G protein-coupled receptor V1; plus strand). Cytogenetic location: 5q14.3.
Variant type: single nucleotide variant.
Coding change: c.493G>A on transcript NM_032119.4 (MANE Select); coding-DNA position 493, G replaced by A.
Protein change: p.Glu165Lys; replaces glutamic acid 165 with lysine.
Molecular consequence: missense variant. On other transcripts: non-coding transcript variant (1).
Genome position (GRCh38, 1-based): chr5:90,622,636, G>A. VCF-style: chr5-90622636-G-A. GRCh37 (hg19) VCF-style: chr5-89918453-G-A.
Other names: short protein forms E165K.
Identifiers: ClinVar variation 2096798 (VCV002096798.4), dbSNP rs2531758506, ClinGen allele CA360363202.
Genomic context (GRCh38, chr5:90,622,636, plus strand): 5'-TGTGCTTGCTTTCCTCAATAGCTTCCCTCAATCGCAGTGAGTGAGCCCAAGGGCAGAAAT[G>A]AGTCTATGCCTCTTACTCTCATCAGGGAAAAGGGAACCTATGGAATGGTCATGGTGACTT-3'
Protein context (NP_115495.3, residues 155-175): IAVSEPKGRN[Glu165Lys]SMPLTLIREK

ClinVar aggregate classification (germline): Uncertain significance (1 of 4 stars; one submission).

Submission:

Labcorp Genetics (formerly Invitae), Labcorp
Classification: Uncertain significance. Last evaluated: 2022-02-11. Review status: criteria provided, single submitter. Criteria: Invitae Variant Classification Sherloc (09022015). Collection method: clinical testing. Allele origin: germline.
Comment: In summary, the available evidence is currently insufficient to determine the role of this variant in disease. Therefore, it has been classified as a Variant of Uncertain Significance. Algorithms developed to predict the effect of missense changes on protein structure and function (SIFT, PolyPhen-2, Align-GVGD) all suggest that this variant is likely to be tolerated. This variant has not been reported in the literature in individuals affected with ADGRV1-related conditions. This variant is not present in population databases (gnomAD no frequency). This sequence change replaces glutamic acid, which is acidic and polar, with lysine, which is basic and polar, at codon 165 of the ADGRV1 protein (p.Glu165Lys).